The following is an entry in ClinVar:

ClinVar aggregate classification (germline): Uncertain significance (1 of 4 stars; one submission).

Conditions:
Inborn genetic diseases. Identifiers: MedGen C0950123, MeSH D030342.

Submission:

Ambry Genetics
Classification: Uncertain significance for Inborn genetic diseases. Last evaluated: 2024-06-30. Review status: criteria provided, single submitter. Criteria: Ambry Variant Classification Scheme 2023. Collection method: clinical testing. Allele origin: germline.
Comment: The p.P1637L variant (also known as c.4910C>T), located in coding exon 28 of the ATR gene, results from a C to T substitution at nucleotide position 4910. The proline at codon 1637 is replaced by leucine, an amino acid with similar properties. This amino acid position is conserved. In addition, the in silico prediction for this alteration is inconclusive. Based on the available evidence, the clinical significance of this variant remains unclear.

NM_001184.4(ATR):c.4910C>T (p.Pro1637Leu)

Gene: ATR (ATR serine/threonine kinase; minus strand). Cytogenetic location: 3q23.
Variant type: single nucleotide variant.
Coding change: c.4910C>T on transcript NM_001184.4 (MANE Select); coding-DNA position 4910, C replaced by T.
Protein change: p.Pro1637Leu; replaces proline 1637 with leucine.
Molecular consequence: missense variant.
Genome position (GRCh38, 1-based): chr3:142,508,052, G>A on the plus strand (C>T on the coding strand, the complement: ATR is on the minus strand). VCF-style: chr3-142508052-G-A. GRCh37 (hg19) VCF-style: chr3-142226894-G-A.
Other names: c.4718C>T, p.Pro1573Leu (NM_001354579.2); short protein forms P1573L, P1637L.
Identifiers: ClinVar variation 3462334 (VCV003462334.1).